The following is an entry in ClinVar:

NM_012318.3(LETM1):c.1605G>C (p.Leu535Phe)

Gene: LETM1 (leucine zipper and EF-hand containing transmembrane protein 1; minus strand). Cytogenetic location: 4p16.3.
Variant type: single nucleotide variant.
Coding change: c.1605G>C on transcript NM_012318.3 (MANE Select); coding-DNA position 1605, G replaced by C.
Protein change: p.Leu535Phe; replaces leucine 535 with phenylalanine.
Molecular consequence: missense variant.
Genome position (GRCh38, 1-based): chr4:1,822,184, C>G on the plus strand (G>C on the coding strand, the complement: LETM1 is on the minus strand). VCF-style: chr4-1822184-C-G. GRCh37 (hg19) VCF-style: chr4-1823911-C-G.
Other names: short protein forms L535F.
Identifiers: ClinVar variation 2662487 (VCV002662487.1), dbSNP rs1338572961, ClinGen allele CA355998235.

ClinVar aggregate classification (germline): Uncertain significance (1 of 4 stars; one submission).

gnomAD v4.1: 1 of 1,425,946 alleles (0.00007%); highest among the groups gnomAD compares: Admixed American, 0.0024%; no homozygotes.

Submission:

GeneDx
Classification: Uncertain significance. Last evaluated: 2023-04-16. Review status: criteria provided, single submitter. Criteria: GeneDx Variant Classification Process June 2021. Collection method: clinical testing. Allele origin: germline. Affected: yes.
Comment: Not observed at significant frequency in large population cohorts (gnomAD); In silico analysis supports that this missense variant does not alter protein structure/function; Has not been previously published as pathogenic or benign to our knowledge